The following is an entry in ClinVar:

ClinVar aggregate classification (germline): Uncertain significance (1 of 4 stars; one submission).

Submission:

CeGaT Center for Human Genetics Tuebingen
Classification: Uncertain significance. Last evaluated: 2024-03-01. Review status: criteria provided, single submitter. Criteria: CeGaT Center For Human Genetics Tuebingen Variant Classification Criteria Version 2. Collection method: clinical testing. Allele origin: germline. Affected: yes. Observed: 1 variant allele.
Comment: TAOK1: PM2, PM4:Supporting

NM_020791.4(TAOK1):c.2173_2175del (p.Gln725del)

Gene: TAOK1 (TAO kinase 1; plus strand). Cytogenetic location: 17q11.2.
Variant type: Deletion.
Coding change: c.2173_2175del on transcript NM_020791.4 (MANE Select); coding-DNA positions 2173 to 2175, 3 bases deleted (CAG; older notation c.2173_2175delCAG).
Protein change: p.Gln725del; deletes glutamine 725.
Molecular consequence: inframe deletion.
Genome position (GRCh38, 1-based): chr17:29,530,431-29,530,433, CAG deleted; deleting any 3 consecutive bases within chr17:29,530,429-29,530,433 gives the same sequence; the c. name uses the placement nearest the transcript's 3' end. VCF-style (leftmost placement, unchanged base first): chr17-29530428-AAGC-A. GRCh37 (hg19) VCF-style: chr17-27857446-AAGC-A.
Other names: c.1729_1731del, p.Gln577del (NM_025142.1); short protein forms Q577del, Q725del.
Identifiers: ClinVar variation 3067638 (VCV003067638.21), dbSNP rs2508322597, ClinGen allele CA2825002480.